The following is an entry in ClinVar:

ClinVar aggregate classification (germline): Uncertain significance (1 of 4 stars; one submission).

Allele frequency attached by ClinVar (database versions not stated): gnomAD exomes below 0.00001; ExAC 0.00001; gnomAD 0.00001.

Submission:

Labcorp Genetics (formerly Invitae), Labcorp
Classification: Uncertain significance. Last evaluated: 2022-02-28. Review status: criteria provided, single submitter. Criteria: Invitae Variant Classification Sherloc (09022015). Collection method: clinical testing. Allele origin: germline.
Comment: In summary, the available evidence is currently insufficient to determine the role of this variant in disease. Therefore, it has been classified as a Variant of Uncertain Significance. This variant is present in population databases (rs777490735, gnomAD 0.0009%). This variant has not been reported in the literature in individuals affected with MMP14-related conditions. Experimental studies and prediction algorithms are not available or were not evaluated, and the functional significance of this variant is currently unknown. This variant, c.1579_1581del, results in the deletion of 1 amino acid(s) of the MMP14 protein (p.Ile527del), but otherwise preserves the integrity of the reading frame.

NM_004995.4(MMP14):c.1579_1581del (p.Ile527del)

Gene: MMP14 (matrix metallopeptidase 14; plus strand). Cytogenetic location: 14q11.2.
Variant type: Deletion.
Coding change: c.1579_1581del on transcript NM_004995.4 (MANE Select); coding-DNA positions 1579 to 1581, 3 bases deleted (ATT; older notation c.1579_1581delATT).
Protein change: p.Ile527del; deletes isoleucine 527.
Molecular consequence: inframe deletion.
Genome position (GRCh38, 1-based): chr14:22,845,869-22,845,871, ATT deleted. VCF-style (leftmost placement, unchanged base first): chr14-22845868-CATT-C. GRCh37 (hg19) VCF-style: chr14-23315077-CATT-C.
Other names: short protein forms I527del.
Identifiers: ClinVar variation 2104839 (VCV002104839.4), dbSNP rs777490735, ClinGen allele CA7105513.